The following is an entry in ClinVar:

NM_015259.6(ICOSLG):c.709G>A (p.Gly237Arg)

Gene: ICOSLG (inducible T cell costimulator ligand; minus strand). Cytogenetic location: 21q22.3.
Variant type: single nucleotide variant.
Coding change: c.709G>A on transcript NM_015259.6 (MANE Select); coding-DNA position 709, G replaced by A.
Protein change: p.Gly237Arg; replaces glycine 237 with arginine.
Molecular consequence: missense variant.
Genome position (GRCh38, 1-based): chr21:44,231,433, C>T on the plus strand (G>A on the coding strand, the complement: ICOSLG is on the minus strand). VCF-style: chr21-44231433-C-T. GRCh37 (hg19) VCF-style: chr21-45651316-C-T.
Other names: c.709G>A, p.Gly237Arg (NM_001283050.2, NM_001395918.1); c.358G>A, p.Gly120Arg (NM_001283051.2); c.454G>A, p.Gly152Arg (NM_001283052.2); c.628G>A, p.Gly210Arg (NM_001365759.2); short protein forms G152R, G210R, G237R, G120R.
Identifiers: ClinVar variation 2888172 (VCV002888172.3), dbSNP rs756890702, ClinGen allele CA321495801.

ClinVar aggregate classification (germline): Uncertain significance (1 of 4 stars; one submission).

Allele frequency attached by ClinVar (database versions not stated): ExAC 0.00003.

Submission:

Labcorp Genetics (formerly Invitae), Labcorp
Classification: Uncertain significance. Last evaluated: 2023-08-08. Review status: criteria provided, single submitter. Criteria: Invitae Variant Classification Sherloc (09022015). Collection method: clinical testing. Allele origin: germline.
Comment: This sequence change replaces glycine, which is neutral and non-polar, with arginine, which is basic and polar, at codon 237 of the ICOSLG protein (p.Gly237Arg). This variant is present in population databases (rs756890702, gnomAD 0.02%). This variant has not been reported in the literature in individuals affected with ICOSLG-related conditions. Algorithms developed to predict the effect of missense changes on protein structure and function output the following: SIFT: "Not Available"; PolyPhen-2: "Probably Damaging"; Align-GVGD: "Not Available". The arginine amino acid residue is found in multiple mammalian species, which suggests that this missense change does not adversely affect protein function. In summary, the available evidence is currently insufficient to determine the role of this variant in disease. Therefore, it has been classified as a Variant of Uncertain Significance.